The following is an entry in ClinVar:

ClinVar aggregate classification (germline): Uncertain significance (1 of 4 stars; one submission).

Submission:

Labcorp Genetics (formerly Invitae), Labcorp
Classification: Uncertain significance. Last evaluated: 2024-11-11. Review status: criteria provided, single submitter. Criteria: Invitae Variant Classification Sherloc (09022015). Collection method: clinical testing. Allele origin: germline.
Comment: This sequence change replaces alanine, which is neutral and non-polar, with valine, which is neutral and non-polar, at codon 104 of the CACNA1F protein (p.Ala104Val). This variant is not present in population databases (gnomAD no frequency). This variant has not been reported in the literature in individuals affected with CACNA1F-related conditions. ClinVar contains an entry for this variant (Variation ID: 1718247). Invitae Evidence Modeling of protein sequence and biophysical properties (such as structural, functional, and spatial information, amino acid conservation, physicochemical variation, residue mobility, and thermodynamic stability) indicates that this missense variant is not expected to disrupt CACNA1F protein function with a negative predictive value of 80%. In summary, the available evidence is currently insufficient to determine the role of this variant in disease. Therefore, it has been classified as a Variant of Uncertain Significance.

NM_001256789.3(CACNA1F):c.311C>T (p.Ala104Val)

Gene: CACNA1F (calcium voltage-gated channel subunit alpha1 F; minus strand). Cytogenetic location: Xp11.23.
Variant type: single nucleotide variant.
Coding change: c.311C>T on transcript NM_001256789.3 (MANE Select); coding-DNA position 311, C replaced by T.
Protein change: p.Ala104Val; replaces alanine 104 with valine.
Molecular consequence: missense variant.
Genome position (GRCh38, 1-based): chrX:49,231,272, G>A on the plus strand (C>T on the coding strand, the complement: CACNA1F is on the minus strand). VCF-style: chrX-49231272-G-A. GRCh37 (hg19) VCF-style: chrX-49087734-G-A.
Other names: c.116C>T, p.Ala39Val (NM_001256790.3); c.311C>T, p.Ala104Val (NM_005183.4); short protein forms A104V, A39V.
Identifiers: ClinVar variation 1718247 (VCV001718247.5), dbSNP rs2519141345, ClinGen allele CA412926736.